The following is an entry in ClinVar:

ClinVar aggregate classification (germline): Benign (0 of 4 stars; one submission).

Conditions:
CDK5-related disorder. Also called: CDK5-related condition.

Allele frequency attached by ClinVar (database versions not stated): gnomAD 0.00119; 1000 Genomes Project 30x 0.00422; 1000 Genomes Project 0.00439; ExAC 0.00522; ESP Exome Variant Server 0.00025.
gnomAD v4.1: 1,314 of 1,582,692 alleles (0.083%); highest among the groups gnomAD compares: East Asian, 2.2%; 23 homozygotes.

Submission:

PreventionGenetics, part of Exact Sciences
Classification: Benign for CDK5-related condition. Last evaluated: 2019-05-28. Review status: no assertion criteria provided. Collection method: clinical testing. Allele origin: germline.
Comment: This variant is classified as benign based on ACMG/AMP sequence variant interpretation guidelines (Richards et al. 2015 PMID: 25741868, with internal and published modifications).

NM_004935.4(CDK5):c.*5C>T

Gene: CDK5 (cyclin dependent kinase 5; minus strand). Cytogenetic location: 7q36.1.
Variant type: single nucleotide variant.
Coding change: c.*5C>T on transcript NM_004935.4 (MANE Select); 5 bases downstream of the stop codon, C replaced by T.
Molecular consequence: 3 prime UTR variant.
Genome position (GRCh38, 1-based): chr7:151,054,004, G>A on the plus strand (C>T on the coding strand, the complement: CDK5 is on the minus strand). VCF-style: chr7-151054004-G-A. GRCh37 (hg19) VCF-style: chr7-150751091-G-A.
Other names: c.*5C>T (NM_001164410.3).
Identifiers: ClinVar variation 3037340 (VCV003037340.2), dbSNP rs2069460, ClinGen allele CA4570342.